The following is an entry in ClinVar:

NM_002691.4(POLD1):c.432C>G (p.Phe144Leu)

Gene: POLD1 (DNA polymerase delta 1, catalytic subunit; plus strand). Cytogenetic location: 19q13.33.
Variant type: single nucleotide variant.
Coding change: c.432C>G on transcript NM_002691.4 (MANE Select); coding-DNA position 432, C replaced by G.
Protein change: p.Phe144Leu; replaces phenylalanine 144 with leucine.
Molecular consequence: missense variant. On other transcripts: non-coding transcript variant (1).
Genome position (GRCh38, 1-based): chr19:50,401,893, C>G. VCF-style: chr19-50401893-C-G. GRCh37 (hg19) VCF-style: chr19-50905150-C-G.
Other names: c.432C>G, p.Phe144Leu (NM_001256849.1, NM_001308632.1); short protein forms F144L.
Identifiers: ClinVar variation 1350552 (VCV001350552.8), dbSNP rs550836711, ClinGen allele CA406972652.

ClinVar aggregate classification (germline): Uncertain significance (1 of 4 stars; one submission).

Conditions:
POLD1-related polyposis and colorectal cancer syndrome (CRCS10). Also called: Colorectal cancer, susceptibility to, 10; Colorectal cancer 10; COLORECTAL CANCER, SUSCEPTIBILITY TO, ON CHROMOSOME 19q. Identifiers: Orphanet 220460, MedGen C2675481, MONDO:0012953, OMIM 612591.

Submission:

Labcorp Genetics (formerly Invitae), Labcorp
Classification: Uncertain significance for POLD1-related polyposis and colorectal cancer syndrome. Last evaluated: 2021-05-03. Review status: criteria provided, single submitter. Criteria: Invitae Variant Classification Sherloc (09022015). Collection method: clinical testing. Allele origin: germline.
Comment: This variant has not been reported in the literature in individuals with POLD1-related conditions. This variant is not present in population databases (ExAC no frequency). This sequence change replaces phenylalanine with leucine at codon 144 of the POLD1 protein (p.Phe144Leu). The phenylalanine residue is highly conserved and there is a small physicochemical difference between phenylalanine and leucine. In summary, the available evidence is currently insufficient to determine the role of this variant in disease. Therefore, it has been classified as a Variant of Uncertain Significance. Algorithms developed to predict the effect of missense changes on protein structure and function are either unavailable or do not agree on the potential impact of this missense change (SIFT: "Deleterious"; PolyPhen-2: "Probably Damaging"; Align-GVGD: "Class C0").